The following is an entry in ClinVar:

ClinVar aggregate classification (germline): Uncertain significance (1 of 4 stars; one submission).

Submission:

GeneDx
Classification: Uncertain significance. Last evaluated: 2022-10-19. Review status: criteria provided, single submitter. Criteria: GeneDx Variant Classification Process June 2021. Collection method: clinical testing. Allele origin: germline. Affected: yes.
Comment: Not observed at significant frequency in large population cohorts (gnomAD); In silico analysis supports that this missense variant has a deleterious effect on protein structure/function; Has not been previously published as pathogenic or benign to our knowledge; This variant is associated with the following publications: (PMID: 18602572)

NM_139276.3(STAT3):c.961T>G (p.Phe321Val)

Gene: STAT3 (signal transducer and activator of transcription 3; minus strand). Cytogenetic location: 17q21.2.
Variant type: single nucleotide variant.
Coding change: c.961T>G on transcript NM_139276.3 (MANE Select); coding-DNA position 961, T replaced by G.
Protein change: p.Phe321Val; replaces phenylalanine 321 with valine.
Molecular consequence: missense variant.
Genome position (GRCh38, 1-based): chr17:42,333,761, A>C on the plus strand (T>G on the coding strand, the complement: STAT3 is on the minus strand). VCF-style: chr17-42333761-A-C. GRCh37 (hg19) VCF-style: chr17-40485779-A-C.
Other names: c.961T>G, p.Phe321Val (NM_001369512.1, NM_001369513.1, NM_001369514.1 and 15 more transcripts); c.883T>G, p.Phe295Val (NM_001384985.1); c.865T>G, p.Phe289Val (NM_001384989.1); short protein forms F289V, F295V, F321V.
Identifiers: ClinVar variation 2499734 (VCV002499734.1), dbSNP rs2509391664, ClinGen allele CA399590819.